The following is an entry in ClinVar:

NM_020975.6(RET):c.524G>A (p.Arg175His)

Gene: RET (ret proto-oncogene; plus strand). Cytogenetic location: 10q11.21.
Variant type: single nucleotide variant.
Coding change: c.524G>A on transcript NM_020975.6 (MANE Select); coding-DNA position 524, G replaced by A.
Protein change: p.Arg175His; replaces arginine 175 with histidine.
Molecular consequence: missense variant.
Genome position (GRCh38, 1-based): chr10:43,102,528, G>A. VCF-style: chr10-43102528-G-A. GRCh37 (hg19) VCF-style: chr10-43597976-G-A.
Other names: c.524G>A, p.Arg175His (NM_000323.2, NM_001406743.1, NM_001406744.1 and 16 more transcripts); c.395G>A, p.Arg132His (NM_001406761.1, NM_001406762.1, NM_001406764.1 and 4 more transcripts); short protein forms R175H, R132H.
Identifiers: ClinVar variation 1351167 (VCV001351167.11), dbSNP rs774097284, ClinGen allele CA043894.
Genomic context (GRCh38, chr10:43,102,528, plus strand): 5'-CAGCCTGCAGCTCCCTCAAGCCCCGGGAGCTCTGCTTCCCAGAGACAAGGCCCTCCTTCC[G>A]CATTCGGGAGAACCGACCCCCAGGCACCTTCCACCAGTTCCGCCTGCTGCCTGTGCAGTT-3'
Protein context (NP_066124.1, residues 165-185): LCFPETRPSF[Arg175His]IRENRPPGTF

ClinVar aggregate classification (germline): Uncertain significance. Review status: criteria provided, multiple submitters, no conflicts (2 of 4 stars). 3 submissions from 3 submitters: Uncertain significance (3). Last evaluated 2025-11-23.

Conditions:
Hereditary cancer-predisposing syndrome. Also called: Neoplastic Syndromes, Hereditary; Tumor predisposition; Hereditary neoplastic syndrome; Hereditary Cancer Syndrome. Identifiers: Orphanet 140162, MedGen C0027672, MeSH D009386, MONDO:0015356.
Multiple endocrine neoplasia, type 2 (MEN2). Identifiers: Orphanet 653, MedGen C4048306, MONDO:0019003. Disease mechanism: gain of function.

Allele frequency attached by ClinVar (database versions not stated): gnomAD exomes below 0.00001; ExAC 0.00001; TOPMed 0.00001.
gnomAD v4.1: 4 of 1,614,110 alleles (0.00025%); highest among the groups gnomAD compares: South Asian, 0.0011%; no homozygotes.

Submissions (3):

Labcorp Genetics (formerly Invitae), Labcorp
Classification: Uncertain significance for Multiple endocrine neoplasia, type 2. Last evaluated: 2025-11-23. Review status: criteria provided, single submitter. Criteria: Invitae Variant Classification Sherloc (09022015). Collection method: clinical testing. Allele origin: germline.
Comment: This sequence change replaces arginine, which is basic and polar, with histidine, which is basic and polar, at codon 175 of the RET protein (p.Arg175His). This variant is present in population databases (rs774097284, gnomAD 0.003%). This variant has not been reported in the literature in individuals affected with RET-related conditions. ClinVar contains an entry for this variant (Variation ID: 1351167). An algorithm developed to predict the effect of missense changes on protein structure and function (PolyPhen-2) suggests that this variant is likely to be tolerated. In summary, the available evidence is currently insufficient to determine the role of this variant in disease. Therefore, it has been classified as a Variant of Uncertain Significance.

Ambry Genetics
Classification: Uncertain significance for Hereditary cancer-predisposing syndrome. Last evaluated: 2024-11-09. Review status: criteria provided, single submitter. Criteria: Ambry Variant Classification Scheme 2023. Collection method: clinical testing. Allele origin: germline.
Comment: The p.R175H variant (also known as c.524G>A), located in coding exon 3 of the RET gene, results from a G to A substitution at nucleotide position 524. The arginine at codon 175 is replaced by histidine, an amino acid with highly similar properties. This amino acid position is well conserved in available vertebrate species. In addition, this alteration is predicted to be tolerated by in silico analysis. Since supporting evidence is limited at this time, the clinical significance of this alteration remains unclear.

All of Us Research Program, National Institutes of Health
Classification: Uncertain significance for Multiple endocrine neoplasia, type 2. Last evaluated: 2023-12-18. Review status: criteria provided, single submitter. Criteria: ACMG Guidelines, 2015. Collection method: clinical testing. Allele origin: germline. Inheritance: Autosomal dominant inheritance. Observed: 1 variant allele, 1 heterozygote.
Comment: This missense variant replaces arginine with histidine at codon 175 of the RET protein. Computational prediction suggests that this variant may not impact protein structure and function (internally defined REVEL score threshold <= 0.5, PMID: 27666373). To our knowledge, functional studies have not been reported for this variant. This variant has not been reported in individuals affected with RET-related disorders in the literature. This variant has been identified in 1/251386 chromosomes in the general population by the Genome Aggregation Database (gnomAD). The available evidence is insufficient to determine the role of this variant in disease conclusively. Therefore, this variant is classified as a Variant of Uncertain Significance.

This study involves interpretation of variants in research participants for the purpose of population health screening. Participant phenotype was not available at the time of variant classification. Additional details can be found in publication PMID: 35346344, PMCID: PMC8962531